The following is an entry in ClinVar:

ClinVar aggregate classification (germline): Likely benign. Review status: criteria provided, multiple submitters, no conflicts (2 of 4 stars). 3 submissions from 3 submitters: Likely benign (3). Last evaluated 2026-03-09.

Conditions:
COL18A1-related disorder. Also called: COL18A1-related disorders; COL18A1-related condition.

Allele frequency attached by ClinVar (database versions not stated): ExAC 0.00003.
gnomAD v4.1: 178 of 1,610,314 alleles (0.011%); highest among the groups gnomAD compares: Non-Finnish European, 0.014%; no homozygotes.

Submissions (3):

PreventionGenetics, part of Exact Sciences
Classification: Likely benign for COL18A1-related condition. Last evaluated: 2026-03-09. Review status: criteria provided, single submitter. Criteria: ACMG Guidelines, 2015. Collection method: clinical testing. Allele origin: germline.
Comment: This variant is classified as likely benign based on ACMG/AMP sequence variant interpretation guidelines (Richards et al. 2015 PMID: 25741868, with internal and published modifications).

Labcorp Genetics (formerly Invitae), Labcorp
Classification: Likely benign. Last evaluated: 2026-02-03. Review status: criteria provided, single submitter. Criteria: Invitae Variant Classification Sherloc (09022015). Collection method: clinical testing. Allele origin: germline.

Blueprint Genetics
Classification: Likely benign. Last evaluated: 2023-12-15. Review status: criteria provided, single submitter. Criteria: ACMG Guidelines, 2015. Collection method: clinical testing. Allele origin: germline.

NM_001379500.1(COL18A1):c.2728-9C>T

Genes: COL18A1 (collagen type XVIII alpha 1 chain; plus strand), SLC19A1 (solute carrier family 19 member 1; minus strand). Cytogenetic location: 21q22.3.
Variant type: single nucleotide variant.
Coding change: c.2728-9C>T on transcript NM_001379500.1 (MANE Select); 9 bases into the intron before coding-DNA position 2728, C replaced by T.
Molecular consequence: intron variant.
Genome position (GRCh38, 1-based): chr21:45,504,407, C>T. VCF-style: chr21-45504407-C-T. GRCh37 (hg19) VCF-style: chr21-46924321-C-T.
Other names: c.3973-9C>T (NM_130444.3); c.3268-9C>T (NM_030582.4, NM_030582.3).
Identifiers: ClinVar variation 1614306 (VCV001614306.10), dbSNP rs773822704, ClinGen allele CA10067434.